The following is an entry in ClinVar:

ClinVar aggregate classification (germline): Uncertain significance (1 of 4 stars; one submission).

Conditions:
Spermatogenic failure 56. Identifiers: MedGen C5561978, MONDO:0030430, OMIM 619515.

Allele frequency attached by ClinVar (database versions not stated): gnomAD exomes 0.00001 and 0.00002; TOPMed 0.00001; ExAC 0.00002.
gnomAD v4.1: 21 of 1,611,334 alleles (0.0013%); highest among the groups gnomAD compares: Non-Finnish European, 0.0018%; no homozygotes.

Submission:

SIB Swiss Institute of Bioinformatics
Classification: Uncertain significance for Spermatogenic failure 56. Last evaluated: 2022-03-15. Review status: criteria provided, single submitter. Criteria: ACMG Guidelines, 2015. Collection method: curation. Allele origin: unknown.
Comment: This variant is interpreted as a variant of uncertain significance for Spermatogenic failure 56, autosomal recessive. The following ACMG Tag(s) were applied: Absent from controls (or at extremely low frequency if recessive) in Exome Sequencing Project, 1000 Genomes Project, or Exome Aggregation Consortium (PM2); Multiple lines of computational evidence support a deleterious effect on the gene or gene product (PP3).

Literature cited by the submitters: PubMed 34237282.

NM_001372106.1(DNAH10):c.12241C>T (p.Arg4081Cys)

Genes: DNAH10 (dynein axonemal heavy chain 10; plus strand), DNAH10OS (dynein axonemal heavy chain 10 opposite strand; minus strand). Cytogenetic location: 12q24.31.
Variant type: single nucleotide variant.
Coding change: c.12241C>T on transcript NM_001372106.1 (MANE Select); coding-DNA position 12241, C replaced by T.
Protein change: p.Arg4081Cys; replaces arginine 4081 with cysteine.
Molecular consequence: missense variant.
Genome position (GRCh38, 1-based): chr12:123,928,522, C>T. VCF-style: chr12-123928522-C-T. GRCh37 (hg19) VCF-style: chr12-124413069-C-T.
Other names: c.11887C>T, p.Arg3963Cys (NM_207437.3); short protein forms R3963C, R4081C.
Identifiers: ClinVar variation 1526397 (VCV001526397.1), dbSNP rs755346965, ClinGen allele CA6865867.